The following is an entry in ClinVar:

NM_000112.4(SLC26A2):c.1819del (p.Ile607fs)

Gene: SLC26A2 (solute carrier family 26 member 2; plus strand). Cytogenetic location: 5q32.
Variant type: Deletion.
Coding change: c.1819del on transcript NM_000112.4 (MANE Select); coding-DNA position 1819, one base deleted (A; older notation c.1819delA).
Protein change: p.Ile607fs; shifts the reading frame from isoleucine 607.
Molecular consequence: frameshift variant.
Genome position (GRCh38, 1-based): chr5:149,981,412, A deleted; the last of 2 consecutive A bases (chr5:149,981,411-149,981,412); deleting either gives the same sequence. VCF-style (leftmost placement, unchanged base first): chr5-149981410-CA-C. GRCh37 (hg19) VCF-style: chr5-149360973-CA-C.
Other names: short protein forms I607fs.
Identifiers: ClinVar variation 2585429 (VCV002585429.1), dbSNP rs2480777185, ClinGen allele CA2582341640.

ClinVar aggregate classification (germline): Uncertain significance (1 of 4 stars; one submission).

Conditions:
Diastrophic dysplasia (DTD). Also called: Diastrophic dwarfism. Identifiers: Orphanet 628, MedGen C0220726, MONDO:0009107, OMIM 222600.

Submission:

Neuberg Centre For Genomic Medicine, NCGM
Classification: Uncertain significance for Diastrophic dysplasia. Review status: criteria provided, single submitter. Criteria: ACMG Guidelines, 2015. Collection method: clinical testing. Allele origin: germline. Inheritance: Autosomal recessive inheritance. Affected: yes.
Comment: The frameshift variant c.1819del (p.Ile607SerfsTer2) in SLC26A2 gene has not been reported previously as a pathogenic variant nor as a benign variant, to our knowledge. The p.Ile607SerfsTer2 variant is novel (not in any individuals) in gnomAD Exomes and 1000 Genomes. This variant causes a frameshift starting with codon Isoleucine 607, changes this amino acid to Serine residue, and creates a premature Stop codon at position 2 of the new reading frame, denoted p.Ile607SerfsTer2.Loss of function variants have been previously reported to be disease causing. However since this variant is present in the last exon/penultimate exon functional studies will be required to prove protein truncation. For these reasons, this variant has been classified as Uncertain Significance .In the absence of another reportable variant, the molecular diagnosis is not confirmed.